The following is an entry in ClinVar:

NM_001358921.2(COQ2):c.26dup (p.Ala10fs)

Genes: COQ2 (coenzyme Q2, polyprenyltransferase; minus strand), LOC112997540 (Sharpr-MPRA regulatory region 13773; plus strand). Cytogenetic location: 4q21.23.
Variant type: Duplication.
Coding change: c.26dup on transcript NM_001358921.2 (MANE Select); coding-DNA position 26, one base duplicated (T; older notation c.26dupT).
Protein change: p.Ala10fs; shifts the reading frame from alanine 10.
Molecular consequence: frameshift variant.
Genome position (GRCh38, 1-based): chr4:83,284,739, A duplicated on the plus strand (T on the coding strand, the reverse complement: COQ2 is on the minus strand); the first of 2 consecutive A bases (chr4:83,284,739-83,284,740); duplicating either gives the same sequence. VCF-style (leftmost placement, unchanged base first): chr4-83284738-G-GA. GRCh37 (hg19) VCF-style: chr4-84205891-G-GA.
Other names: c.176dup, p.Ala60fs (NM_015697.9); c.176dup (NM_015697.7); short protein forms A10fs, A60fs.
Identifiers: ClinVar variation 1344670 (VCV001344670.2), dbSNP rs1198292264, ClinGen allele CA799168358.

ClinVar aggregate classification (germline): Likely pathogenic. Review status: criteria provided, single submitter (1 of 4 stars). 2 submissions from 2 submitters: Likely pathogenic (1). 1 of the submissions does not count toward it. Last evaluated 2023-08-08.

Conditions:
Nephrotic syndrome. Identifiers: MedGen C0027726, MONDO:0005377, HP:0000100.

Submissions (2):

GeneDx
Classification: Likely pathogenic. Last evaluated: 2023-08-08. Review status: criteria provided, single submitter. Criteria: GeneDx Variant Classification Process June 2021. Collection method: clinical testing. Allele origin: germline. Affected: yes.
Comment: Identified with a second variant in a few individuals with steroid resistant nephrotic syndrome in the published literature (Warejko et al., 2018; Starr et al., 2018); Frameshift variant predicted to result in protein truncation or nonsense mediated decay in a gene for which loss of function is a known mechanism of disease; Not observed at significant frequency in large population cohorts (gnomAD); This variant is associated with the following publications: (PMID: 29637272, 35483523, 29127259)

Yale Center for Mendelian Genomics, Yale University
Classification: Likely pathogenic for Nephrotic syndrome. Last evaluated: 2017-11-10. Review status: no assertion criteria provided. Collection method: literature only. Allele origin: germline. Affected: yes. Observed: 1 compound heterozygote. Study: Yale Center for Mendelian Genomics. Not counted in ClinVar's aggregate classification.

Literature cited by the submitters: PubMed 29127259 (cited by Yale Center for Mendelian Genomics, Yale University).